The following is an entry in ClinVar:

NM_001267550.2(TTN):c.98000A>G (p.Gln32667Arg)

Genes: TTN-AS1 (TTN antisense RNA 1; plus strand), TTN (titin; minus strand). Cytogenetic location: 2q31.2.
Variant type: single nucleotide variant.
Coding change: c.98000A>G on transcript NM_001267550.2 (MANE Select); coding-DNA position 98000, A replaced by G.
Protein change: p.Gln32667Arg; replaces glutamine 32667 with arginine.
Molecular consequence: missense variant. On other transcripts: non-coding transcript variant (1).
Genome position (GRCh38, 1-based): chr2:178,540,166, T>C on the plus strand (A>G on the coding strand, the complement: TTN is on the minus strand). VCF-style: chr2-178540166-T-C. GRCh37 (hg19) VCF-style: chr2-179404893-T-C.
Other names: c.90296A>G, p.Gln30099Arg (NM_133378.4); c.93077A>G, p.Gln31026Arg (NM_001256850.1); c.70805A>G, p.Gln23602Arg (NM_003319.4); c.71180A>G, p.Gln23727Arg (NM_133432.3); c.71381A>G, p.Gln23794Arg (NM_133437.4); short protein forms Q32667R, Q30099R, Q23602R, Q23794R, Q23727R, Q31026R.
Identifiers: ClinVar variation 47592 (VCV000047592.5), dbSNP rs397517773, ClinGen allele CA141457.

ClinVar aggregate classification (germline): Uncertain significance (1 of 4 stars; one submission).

Submission:

Laboratory for Molecular Medicine, Mass General Brigham Personalized Medicine
Classification: Uncertain significance. Last evaluated: 2012-08-02. Review status: criteria provided, single submitter. Criteria: LMM Criteria. Collection method: clinical testing. Allele origin: germline. Observed: 1 variant allele.
Comment: The Gln30099Arg variant in TTN has not been reported in the literature nor previ ously identified by our laboratory. Computational analyses (biochemical amino ac id properties, conservation, AlignGVGD, PolyPhen2, and SIFT) do not provide stro ng support for or against an impact to the protein. Additional information is ne eded to fully assess the clinical significance of this variant.